The following is an entry in ClinVar:

ClinVar aggregate classification (germline): Uncertain significance (0 of 4 stars; one submission).

Conditions:
Marfan syndrome (MFS). Also called: MARFAN SYNDROME, TYPE I; Marfan syndrome type 1; Marfan's syndrome; FBN1-Related Marfan Syndrome; Marfan syndrome, classic. Identifiers: Orphanet 284963, Orphanet 558, MedGen C0024796, MONDO:0007947, OMIM 154700.

Submission:

Department of Laboratory Medicine and Genetics, Samsung Medical Center
Classification: Uncertain significance for Marfan syndrome. Last evaluated: 2025-01-02. Review status: no assertion criteria provided. Collection method: clinical testing. Allele origin: germline.
Comment: The NM_000138.5:c.7630A>C is considered to be rare in the general population database (gnomAD v2.1.1). This variant is predicted to be deleterious by in-silico analysis (REVEL). In summary, the available evidence is currently insufficient to evaluate the pathogenicity of this variant, resulting its classification as a variant of uncertain significance (PP2, PP3, PM2_P).

Literature cited by the submitters: PubMed 37558401.

NM_000138.5(FBN1):c.7630A>C (p.Thr2544Pro)

Gene: FBN1 (fibrillin 1; minus strand). Cytogenetic location: 15q21.1.
Variant type: single nucleotide variant.
Coding change: c.7630A>C on transcript NM_000138.5 (MANE Select); coding-DNA position 7630, A replaced by C.
Protein change: p.Thr2544Pro; replaces threonine 2544 with proline.
Molecular consequence: missense variant.
Genome position (GRCh38, 1-based): chr15:48,421,627, T>G on the plus strand (A>C on the coding strand, the complement: FBN1 is on the minus strand). VCF-style: chr15-48421627-T-G. GRCh37 (hg19) VCF-style: chr15-48713824-T-G.
Other names: c.7630A>C, p.Thr2544Pro (NM_001406716.1); short protein forms T2544P.
Identifiers: ClinVar variation 3600257 (VCV003600257.1).